The following is an entry in ClinVar:

ClinVar aggregate classification (germline): Uncertain significance. Review status: criteria provided, multiple submitters, no conflicts (2 of 4 stars). 2 submissions from 2 submitters: Uncertain significance (2). Last evaluated 2026-01-20.

Conditions:
Anauxetic dysplasia. Identifiers: Orphanet 93347, MedGen C1846796, MONDO:0011773.

Allele frequency attached by ClinVar (database versions not stated): TOPMed 0.00011; 1000 Genomes Project 0.00020; 1000 Genomes Project 30x 0.00016.

Submissions (2):

Labcorp Genetics (formerly Invitae), Labcorp
Classification: Uncertain significance for Anauxetic dysplasia. Last evaluated: 2026-01-20. Review status: criteria provided, single submitter. Criteria: Invitae Variant Classification Sherloc (09022015). Collection method: clinical testing. Allele origin: germline.
Comment: This variant occurs in the RMRP gene, which encodes an RNA molecule that does not result in a protein product. This variant is present in population databases (rs551474332, gnomAD 0.1%). This variant has not been reported in the literature in individuals affected with RMRP-related conditions. ClinVar contains an entry for this variant (Variation ID: 658456). Experimental studies and prediction algorithms are not available or were not evaluated, and the functional significance of this variant is currently unknown. In summary, the available evidence is currently insufficient to determine the role of this variant in disease. Therefore, it has been classified as a Variant of Uncertain Significance.

Mayo Clinic Laboratories, Mayo Clinic
Classification: Uncertain significance. Last evaluated: 2019-11-04. Review status: criteria provided, single submitter. Criteria: ACMG Guidelines, 2015. Collection method: clinical testing. Allele origin: germline. Observed: 1 variant allele.

NC_000009.12:g.35658071T>C

Gene: RMRP (RNA component of mitochondrial RNA processing endoribonuclease; minus strand). Cytogenetic location: 9p13.3.
Variant type: single nucleotide variant.
Genome position: GRCh38 VCF-style: chr9-35658071-T-C. GRCh37 (hg19) VCF-style: chr9-35658068-T-C.
Identifiers: ClinVar variation 658456 (VCV000658456.9), dbSNP rs551474332, ClinGen allele CA192745792.